The following is an entry in ClinVar:

NM_001190737.2(NFIB):c.989A>G (p.Gln330Arg)

Gene: NFIB (nuclear factor I B; minus strand). Cytogenetic location: 9p23.
Variant type: single nucleotide variant.
Coding change: c.989A>G on transcript NM_001190737.2 (MANE Select); coding-DNA position 989, A replaced by G.
Protein change: p.Gln330Arg; replaces glutamine 330 with arginine.
Molecular consequence: missense variant. On other transcripts: non-coding transcript variant (4).
Genome position (GRCh38, 1-based): chr9:14,125,703, T>C on the plus strand (A>G on the coding strand, the complement: NFIB is on the minus strand). VCF-style: chr9-14125703-T-C. GRCh37 (hg19) VCF-style: chr9-14125702-T-C.
Other names: c.1067A>G, p.Gln356Arg (NM_001190738.2); c.233A>G, p.Gln78Arg (NM_001282787.2); c.1055A>G, p.Gln352Arg (NM_001369458.1, NM_001369459.1, NM_001369462.1 and 1 more transcripts); c.977A>G, p.Gln326Arg (NM_001369460.1, NM_001369463.1, NM_001369466.1 and 2 more transcripts); c.989A>G, p.Gln330Arg (NM_001369461.1, NM_001369464.1, NM_001369471.1 and 1 more transcripts); c.962A>G, p.Gln321Arg (NM_001369465.1, NM_001369467.1, NM_001369476.1); c.845A>G, p.Gln282Arg (NM_001369469.1); c.752A>G, p.Gln251Arg (NM_001369470.1, NM_001369478.1); and 4 more; short protein forms Q151R, Q251R, Q255R, Q282R, Q312R, Q321R, Q325R, Q326R.
Identifiers: ClinVar variation 2659075 (VCV002659075.24), dbSNP rs2537886294, ClinGen allele CA373092337.

ClinVar aggregate classification (germline): Uncertain significance (1 of 4 stars; one submission).

Submission:

CeGaT Center for Human Genetics Tuebingen
Classification: Uncertain significance. Last evaluated: 2022-06-01. Review status: criteria provided, single submitter. Criteria: CeGaT Center For Human Genetics Tuebingen Variant Classification Criteria Version 2. Collection method: clinical testing. Allele origin: germline. Affected: yes. Observed: 1 variant allele.
Comment: NFIB: PM2